The following is an entry in ClinVar:

NM_000179.3(MSH6):c.1507T>C (p.Ser503Pro)

Gene: MSH6 (mutS homolog 6; plus strand). Cytogenetic location: 2p16.3.
Variant type: single nucleotide variant.
Coding change: c.1507T>C on transcript NM_000179.3 (MANE Select); coding-DNA position 1507, T replaced by C.
Protein change: p.Ser503Pro; replaces serine 503 with proline.
Molecular consequence: missense variant.
Genome position (GRCh38, 1-based): chr2:47,799,490, T>C. VCF-style: chr2-47799490-T-C. GRCh37 (hg19) VCF-style: chr2-48026629-T-C.
Other names: c.1117T>C, p.Ser373Pro (NM_001281492.2); c.601T>C, p.Ser201Pro (NM_001281493.2, NM_001281494.2); short protein forms S373P, S201P, S503P.
Identifiers: ClinVar variation 946259 (VCV000946259.10), dbSNP rs1669339708, ClinGen allele CA346746257.

ClinVar aggregate classification (germline): Uncertain significance (1 of 4 stars; one submission).

Conditions:
Hereditary nonpolyposis colorectal neoplasms. Identifiers: MedGen C0009405, MeSH D003123.

Submission:

Labcorp Genetics (formerly Invitae), Labcorp
Classification: Uncertain significance for Hereditary nonpolyposis colorectal neoplasms. Last evaluated: 2019-05-08. Review status: criteria provided, single submitter. Criteria: Invitae Variant Classification Sherloc (09022015). Collection method: clinical testing. Allele origin: germline.
Comment: This sequence change replaces serine with proline at codon 503 of the MSH6 protein (p.Ser503Pro). The serine residue is weakly conserved and there is a moderate physicochemical difference between serine and proline. This variant is not present in population databases (ExAC no frequency). This variant has not been reported in the literature in individuals with MSH6-related conditions. Algorithms developed to predict the effect of missense changes on protein structure and function are either unavailable or do not agree on the potential impact of this missense change (SIFT: "Deleterious"; PolyPhen-2: "Possibly Damaging"; Align-GVGD: "Class C0"). In summary, the available evidence is currently insufficient to determine the role of this variant in disease. Therefore, it has been classified as a Variant of Uncertain Significance.